The following is an entry in ClinVar:

NM_001205293.3(CACNA1E):c.5613A>G (p.Ala1871=)

Gene: CACNA1E (calcium voltage-gated channel subunit alpha1 E; plus strand). Cytogenetic location: 1q25.3.
Variant type: single nucleotide variant.
Coding change: c.5613A>G on transcript NM_001205293.3 (MANE Select); coding-DNA position 5613, A replaced by G.
Protein change: p.Ala1871=; no amino-acid change (alanine 1871 retained).
Molecular consequence: synonymous variant.
Genome position (GRCh38, 1-based): chr1:181,785,352, A>G. VCF-style: chr1-181785352-A-G. GRCh37 (hg19) VCF-style: chr1-181754488-A-G.
Other names: p.Ala1871=; c.5613A>G, p.Ala1871= (NM_000721.4); c.5556A>G, p.Ala1852= (NM_001205294.2).
Identifiers: ClinVar variation 3002157 (VCV003002157.4), dbSNP rs182604386, ClinGen allele CA1276153.
Genomic context (GRCh38, chr1:181,785,352, plus strand): 5'-CCATCATGCCACATTTGTGTTTCTAGCCTCTGACCTGACTGTGGGCAAAATCTATGCAGC[A>G]ATGATGATCATGGACTACTATAAGCAGAGTAAGGTGAAGAAGCAGAGGCAGCAGCTGGAG-3'
Protein context (NP_001192222.1, residues 1861-1881): SDLTVGKIYA[Ala1871=]MMIMDYYKQS

ClinVar aggregate classification (germline): Likely benign. Review status: criteria provided, multiple submitters, no conflicts (2 of 4 stars). 2 submissions from 2 submitters: Likely benign (2). Last evaluated 2024-12-30.

Allele frequency attached by ClinVar (database versions not stated): ExAC 0.00002; gnomAD 0.00005; TOPMed 0.00005; 1000 Genomes Project 30x 0.00031; 1000 Genomes Project 0.00040.
gnomAD v4.1: 10 of 1,613,696 alleles (0.00062%); highest among the groups gnomAD compares: African/African-American, 0.011%; no homozygotes.

Submissions (2):

Mayo Clinic Laboratories, Mayo Clinic
Classification: Likely benign. Last evaluated: 2024-12-30. Review status: criteria provided, single submitter. Criteria: ACMG Guidelines, 2015. Collection method: clinical testing. Allele origin: germline. Observed: 1 variant allele.
Comment: BP4, BP7

Labcorp Genetics (formerly Invitae), Labcorp
Classification: Likely benign. Last evaluated: 2023-06-11. Review status: criteria provided, single submitter. Criteria: Invitae Variant Classification Sherloc (09022015). Collection method: clinical testing. Allele origin: germline.